The following is an entry in ClinVar:

ClinVar aggregate classification (germline): Uncertain significance (1 of 4 stars; one submission).

Conditions:
Deficiency of 2-methylbutyryl-CoA dehydrogenase (ACADSB). Also called: 2-methylbutyrylglycinuria; 2-methylbutyryl-CoA dehydrogenase deficiency; SBCAD deficiency; 2-methylbutyric aciduria; Short branched-chain acyl-CoA dehydrogenase deficiency. Identifiers: Orphanet 79157, MedGen C1864912, MONDO:0012392, OMIM 610006, HP:0020147.

gnomAD v4.1: 6 of 1,614,216 alleles (0.00037%); highest among the groups gnomAD compares: Admixed American, 0.01%; no homozygotes.

Submission:

Labcorp Genetics (formerly Invitae), Labcorp
Classification: Uncertain significance for Deficiency of 2-methylbutyryl-CoA dehydrogenase. Last evaluated: 2024-12-22. Review status: criteria provided, single submitter. Criteria: Invitae Variant Classification Sherloc (09022015). Collection method: clinical testing. Allele origin: germline.
Comment: This sequence change replaces leucine, which is neutral and non-polar, with proline, which is neutral and non-polar, at codon 216 of the ACADSB protein (p.Leu216Pro). This variant is present in population databases (rs762656756, gnomAD 0.02%). This variant has not been reported in the literature in individuals affected with ACADSB-related conditions. Invitae Evidence Modeling of protein sequence and biophysical properties (such as structural, functional, and spatial information, amino acid conservation, physicochemical variation, residue mobility, and thermodynamic stability) indicates that this missense variant is expected to disrupt ACADSB protein function with a positive predictive value of 95%. In summary, the available evidence is currently insufficient to determine the role of this variant in disease. Therefore, it has been classified as a Variant of Uncertain Significance.

NM_001609.4(ACADSB):c.647T>C (p.Leu216Pro)

Gene: ACADSB (acyl-CoA dehydrogenase short/branched chain; plus strand). Cytogenetic location: 10q26.13.
Variant type: single nucleotide variant.
Coding change: c.647T>C on transcript NM_001609.4 (MANE Select); coding-DNA position 647, T replaced by C.
Protein change: p.Leu216Pro; replaces leucine 216 with proline.
Molecular consequence: missense variant.
Genome position (GRCh38, 1-based): chr10:123,041,345, T>C. VCF-style: chr10-123041345-T-C. GRCh37 (hg19) VCF-style: chr10-124800861-T-C.
Other names: c.341T>C, p.Leu114Pro (NM_001330174.3); short protein forms L114P, L216P.
Identifiers: ClinVar variation 3623779 (VCV003623779.1).